The following is an entry in ClinVar:

NM_004643.4(PABPN1):c.3GGC[14] (p.Ala11_Gly12insAlaAlaAlaAlaAlaAlaAla)

Genes: BCL2L2-PABPN1 (BCL2L2-PABPN1 readthrough; plus strand), PABPN1 (poly(A) binding protein nuclear 1; plus strand). Cytogenetic location: 14q11.2.
Variant type: Microsatellite.
Coding change: c.3GGC[14] on transcript NM_004643.4 (MANE Select); 14 copies in a row of the 3-base unit GGC starting at c.3; the reference has seven copies in a row; seven copies, 21 bases duplicated; also written c.3_23dup.
Protein change: p.Ala11_Gly12insAlaAlaAlaAlaAlaAlaAla.
Molecular consequence: inframe insertion, initiator codon variant. On other transcripts: intron variant (8).
Genome position (GRCh38, 1-based): chr14:23,321,472-23,321,492, GGCGGCGGCGGCGGCGGCGGC duplicated. VCF-style (leftmost placement, unchanged base first): chr14-23321471-T-TGGCGGCGGCGGCGGCGGCGGC. GRCh37 (hg19) VCF-style: chr14-23790680-T-TGGCGGCGGCGGCGGCGGCGGC.
Other names: c.3GGC[14], p.Ala11_Gly12insAlaAlaAlaAlaAlaAlaAla (NM_001360551.3); c.529-709GGC[14] (NM_001387343.1, NM_001387342.1, NM_001387344.1 and 1 more transcripts); c.433-709GGC[14] (NM_001387345.1, NM_001387346.1, NM_001199864.3); c.550-709GGC[14] (NM_001387340.1); c.3_23dup (NM_004643.4).
Identifiers: ClinVar variation 4879583 (VCV004879583.1).

ClinVar aggregate classification (germline): Pathogenic (1 of 4 stars; one submission).

Conditions:
Oculopharyngeal muscular dystrophy 1 (OPMD1). Identifiers: MedGen CN376802, MONDO:0958176, OMIM 164300.

Submission:

Victorian Clinical Genetics Services, Murdoch Childrens Research Institute
Classification: Pathogenic for Oculopharyngeal muscular dystrophy 1. Last evaluated: 2026-05-04. Review status: criteria provided, single submitter. Criteria: ACMG Guidelines, 2015. Collection method: clinical testing. Allele origin: germline. Affected: yes.
Comment: This variant is classified as Pathogenic. Evidence in support of pathogenic classification: Short tandem repeat (STR) expansion fully contained in a repetitive region that has high conservation. This STR has 17 repeats of Ala in exon 1 of the PABPN1 gene; Variant is absent from gnomAD (v2, v3 and v4); This variant has strong previous evidence of pathogenicity in unrelated individuals. This STR expansion of 17 repeats has been reported in multiple individuals with autosomal dominant oculopharyngeal muscular dystrophy (PMID: 9462747, 11304042, 15645184); Other STR expansions comparable to the one identified in this case have very strong previous evidence for pathogenicity. STR expansions between 12-16 poly-Ala repeats have been classified as pathogenic by clinical laboratories in ClinVar. Additional information: This variant is heterozygous; This gene is associated with autosomal dominant oculopharyngeal muscular dystrophy (MIM#164300) with rare reports of biallelic variants causing disease. The poly-Ala track in exon 1 of the PABPN1 gene normally has 10 repeats, the recessive form of disease is usually associated with a homozygous or compound heterozygous 1 repeat expansion (11 repeats), and the dominant form of disease is usually associated with a heterozygous expansion of 12-18 repeats; Alternative STR expansions within this poly-Ala track are present in gnomAD (highest allele count: v4: 2128 heterozygote(s), 3 homozygote(s)); Dominant negative is a suggested mechanism of disease in this gene and is associated with oculopharyngeal muscular dystrophy (MIM#164300) (PMID: 33805441, 41587185); Inheritance information for this variant is not currently available in this individual.

Literature cited by the submitters: PubMed 15645184; PubMed 41587185; PubMed 33805441; PubMed 11304042; PubMed 9462747.